The following is an entry in ClinVar:

ClinVar aggregate classification (germline): Pathogenic/Likely pathogenic. Review status: criteria provided, multiple submitters, no conflicts (2 of 4 stars). 4 submissions from 4 submitters: Pathogenic (2); Likely pathogenic (1). 1 of the submissions does not count toward it. Last evaluated 2024-08-27.

Conditions:
GUCY2D-related disorders.
Cone-rod dystrophy 6 (CORD6). Also called: RETINAL CONE DYSTROPHY 2; Cone dystrophy progressive. Identifiers: Orphanet 1872, MedGen C1866293, MONDO:0011143, OMIM 601777.
Leber congenital amaurosis 1 (LCA1). Also called: RETINAL BLINDNESS, CONGENITAL; Congenital absence of the rods and cones; Leber's congenital tapetoretinal degeneration; Leber's congenital tapetoretinal dysplasia; AMAUROSIS CONGENITA OF LEBER I. Identifiers: Orphanet 65, MedGen C2931258, MONDO:0008764, OMIM 204000.

Submissions (4):

3billion
Classification: Pathogenic for Cone-rod dystrophy 6. Last evaluated: 2024-08-27. Review status: criteria provided, single submitter. Criteria: ACMG Guidelines, 2015. Collection method: clinical testing. Allele origin: germline. Affected: yes.
Comment: The variant is not observed in the gnomAD v4.0.0 dataset. Predicted Consequence/Location: Missense variant Functional studies provide strong evidence of the variant having a damaging effect on the gene or gene product (PMID: 11115851). In silico tool predictions suggest damaging effect of the variant on gene or gene product [REVEL: 0.75 (>=0.6, sensitivity 0.68 and specificity 0.92); 3Cnet: 0.39 (>=0.6, sensitivity 0.72 and precision 0.9)]. The same nucleotide change resulting in the same amino acid change has been previously reported to be associated with GUCY2D related disorder (ClinVar ID: VCV000098568 / PMID: 11565546). Different missense changes at the same codon (p.Arg838Cys, p.Arg838Gly, p.Arg838His, p.Arg838Pro) have been reported as pathogenic/likely pathogenic with strong evidence (ClinVar ID: VCV000009355, VCV000009357, VCV000811743, VCV001685873 /PMID: 11565546, 18487367, 9618177 /3billion dataset). Therefore, this variant is classified as Pathogenic according to the recommendation of ACMG/AMP guideline.

Labcorp Genetics (formerly Invitae), Labcorp
Classification: Pathogenic for Leber congenital amaurosis 1; Cone-rod dystrophy 6. Last evaluated: 2022-09-01. Review status: criteria provided, single submitter. Criteria: Invitae Variant Classification Sherloc (09022015). Collection method: clinical testing. Allele origin: germline.
Comment: This variant is also known as C2585A. For these reasons, this variant has been classified as Pathogenic. This variant disrupts the p.Arg838 amino acid residue in GUCY2D. Other variant(s) that disrupt this residue have been determined to be pathogenic (PMID: 11115851, 12552567, 26298565). This suggests that this residue is clinically significant, and that variants that disrupt this residue are likely to be disease-causing. Experimental studies have shown that this missense change affects GUCY2D function (PMID: 11115851, 15504042, 27703005, 29440533). Algorithms developed to predict the effect of missense changes on protein structure and function (SIFT, PolyPhen-2, Align-GVGD) all suggest that this variant is likely to be disruptive. ClinVar contains an entry for this variant (Variation ID: 98568). This missense change has been observed in individual(s) with autosomal dominant cone-rod dystrophy (PMID: 11565546; Invitae). This variant is not present in population databases (gnomAD no frequency). This sequence change replaces arginine, which is basic and polar, with serine, which is neutral and polar, at codon 838 of the GUCY2D protein (p.Arg838Ser).

Blueprint Genetics
Classification: Likely pathogenic for GUCY2D-related disorders. Last evaluated: 2020-01-04. Review status: criteria provided, single submitter. Criteria: ACMG Guidelines, 2015. Collection method: clinical testing. Allele origin: germline. Affected: yes. Observed: 1 variant allele.

Retina International
No classification provided. Review status: no classification provided. Collection method: not provided. Allele origin: unknown. Not counted in ClinVar's aggregate classification.

Literature cited by the submitters: PubMed 11115851 (cited by 3billion and Labcorp Genetics (formerly Invitae), Labcorp); PubMed 11565546 (cited by 3billion and Labcorp Genetics (formerly Invitae), Labcorp); PubMed 12552567 (cited by Labcorp Genetics (formerly Invitae), Labcorp); PubMed 26298565 (cited by Labcorp Genetics (formerly Invitae), Labcorp); PubMed 15504042 (cited by Labcorp Genetics (formerly Invitae), Labcorp); PubMed 27703005 (cited by Labcorp Genetics (formerly Invitae), Labcorp); PubMed 29440533 (cited by Labcorp Genetics (formerly Invitae), Labcorp).

NM_000180.4(GUCY2D):c.2512C>A (p.Arg838Ser)

Gene: GUCY2D (guanylate cyclase 2D, retinal; plus strand). Cytogenetic location: 17p13.1.
Variant type: single nucleotide variant.
Coding change: c.2512C>A on transcript NM_000180.4 (MANE Select); coding-DNA position 2512, C replaced by A.
Protein change: p.Arg838Ser; replaces arginine 838 with serine.
Molecular consequence: missense variant.
Genome position (GRCh38, 1-based): chr17:8,014,700, C>A. VCF-style: chr17-8014700-C-A. GRCh37 (hg19) VCF-style: chr17-7918018-C-A.
Other names: short protein forms R838S.
Identifiers: ClinVar variation 98568 (VCV000098568.10), dbSNP rs61750172, ClinGen allele CA226083.